The following is an entry in ClinVar:

ClinVar aggregate classification (germline): Conflicting classifications of pathogenicity. Review status: criteria provided, conflicting classifications (1 of 4 stars). 2 submissions from 2 submitters: Uncertain significance (1); Likely benign (1). Last evaluated 2025-08-21.

Conditions:
Hereditary cancer-predisposing syndrome. Also called: Neoplastic Syndromes, Hereditary; Tumor predisposition; Hereditary Cancer Syndrome; Hereditary neoplastic syndrome. Identifiers: Orphanet 140162, MedGen C0027672, MeSH D009386, MONDO:0015356.
Neuroblastoma, susceptibility to, 3. Also called: ALK-Related Neuroblastic Tumor Susceptibility. Identifiers: Orphanet 635, MedGen C2751681, MONDO:0013083, OMIM 613014.

Submissions (2):

Ambry Genetics
Classification: Likely benign for Hereditary cancer-predisposing syndrome. Last evaluated: 2025-08-21. Review status: criteria provided, single submitter. Criteria: Ambry Variant Classification Scheme 2023. Collection method: clinical testing. Allele origin: germline.

Labcorp Genetics (formerly Invitae), Labcorp
Classification: Uncertain significance for Neuroblastoma, susceptibility to, 3. Last evaluated: 2025-07-27. Review status: criteria provided, single submitter. Criteria: Invitae Variant Classification Sherloc (09022015). Collection method: clinical testing. Allele origin: germline.
Comment: This sequence change affects a splice site in intron 21 of the ALK gene. It is expected to disrupt RNA splicing. Variants that disrupt the donor or acceptor splice site typically lead to a loss of protein function (PMID: 16199547), however the current clinical and genetic evidence is not sufficient to establish whether loss-of-function variants in ALK cause disease. Information on the frequency of this variant in the gnomAD database is not available, as this variant may be reported differently in the database. This variant has not been reported in the literature in individuals affected with ALK-related conditions. ClinVar contains an entry for this variant (Variation ID: 538231). In summary, the available evidence is currently insufficient to determine the role of this variant in disease. Therefore, it has been classified as a Variant of Uncertain Significance.

Literature cited by the submitters: PubMed 16199547 (cited by Labcorp Genetics (formerly Invitae), Labcorp).

NM_004304.5(ALK):c.3450_3450+1delinsTT

Gene: ALK (ALK receptor tyrosine kinase; minus strand). Cytogenetic location: 2p23.2.
Variant type: Indel.
Coding change: c.3450_3450+1delinsTT on transcript NM_004304.5 (MANE Select); coding-DNA position 3450 through the canonical splice donor site of the intron after coding-DNA position 3450, GG replaced by TT.
Molecular consequence: splice donor variant.
Genome position (GRCh38, 1-based): chr2:29,222,516-29,222,517, CC replaced by AA on the plus strand (GG replaced by TT on the coding strand, the reverse complement: ALK is on the minus strand). VCF-style: chr2-29222516-CC-AA. GRCh37 (hg19) VCF-style: chr2-29445382-CC-AA.
Other names: c.3450_3450+1delinsTT (NM_004304.4); c.246_246+1delinsTT (NM_001353765.2).
Identifiers: ClinVar variation 538231 (VCV000538231.12), dbSNP rs1553394254, ClinGen allele CA658795692.